The following is an entry in ClinVar:

ClinVar aggregate classification (germline): Uncertain significance. Review status: criteria provided, multiple submitters, no conflicts (2 of 4 stars). 2 submissions from 2 submitters: Uncertain significance (2). Last evaluated 2025-04-28.

Conditions:
Inborn genetic diseases. Identifiers: MedGen C0950123, MeSH D030342.
Fanconi anemia complementation group E (FANCE). Also called: FANCE-Related Fanconi Anemia. Identifiers: Orphanet 84, MedGen C3160739, MONDO:0010953, OMIM 600901.

Allele frequency attached by ClinVar (database versions not stated): ExAC 0.00001; gnomAD 0.00001; TOPMed 0.00001; gnomAD exomes 0.00002.
gnomAD v4.1: 11 of 1,612,744 alleles (0.00068%); highest among the groups gnomAD compares: Middle Eastern, 0.033%; no homozygotes.

Submissions (2):

Ambry Genetics
Classification: Uncertain significance for Inborn genetic diseases. Last evaluated: 2025-04-28. Review status: criteria provided, single submitter. Criteria: Ambry Variant Classification Scheme 2023. Collection method: clinical testing. Allele origin: germline.

Labcorp Genetics (formerly Invitae), Labcorp
Classification: Uncertain significance for Fanconi anemia complementation group E. Last evaluated: 2022-11-01. Review status: criteria provided, single submitter. Criteria: Invitae Variant Classification Sherloc (09022015). Collection method: clinical testing. Allele origin: germline.
Comment: This sequence change replaces lysine, which is basic and polar, with glutamine, which is neutral and polar, at codon 179 of the FANCE protein (p.Lys179Gln). This variant is present in population databases (rs751676807, gnomAD 0.0009%). This variant has not been reported in the literature in individuals affected with FANCE-related conditions. ClinVar contains an entry for this variant (Variation ID: 1483783). Advanced modeling of protein sequence and biophysical properties (such as structural, functional, and spatial information, amino acid conservation, physicochemical variation, residue mobility, and thermodynamic stability) performed at Invitae indicates that this missense variant is expected to disrupt FANCE protein function. In summary, the available evidence is currently insufficient to determine the role of this variant in disease. Therefore, it has been classified as a Variant of Uncertain Significance.

NM_021922.3(FANCE):c.535A>C (p.Lys179Gln)

Gene: FANCE (FA complementation group E; plus strand). Cytogenetic location: 6p21.31.
Variant type: single nucleotide variant.
Coding change: c.535A>C on transcript NM_021922.3 (MANE Select); coding-DNA position 535, A replaced by C.
Protein change: p.Lys179Gln; replaces lysine 179 with glutamine.
Molecular consequence: missense variant.
Genome position (GRCh38, 1-based): chr6:35,456,033, A>C. VCF-style: chr6-35456033-A-C. GRCh37 (hg19) VCF-style: chr6-35423810-A-C.
Other names: c.535A>C (NM_021922.2); short protein forms K179Q.
Identifiers: ClinVar variation 1483783 (VCV001483783.4), dbSNP rs751676807, ClinGen allele CA3771433.